The following is an entry in ClinVar:

NM_001377.3(DYNC2H1):c.10039C>T (p.Gln3347Ter)

Gene: DYNC2H1 (dynein cytoplasmic 2 heavy chain 1; plus strand). Cytogenetic location: 11q22.3.
Variant type: single nucleotide variant.
Coding change: c.10039C>T on transcript NM_001377.3 (MANE Select); coding-DNA position 10039, C replaced by T.
Protein change: p.Gln3347Ter; replaces glutamine 3347 with a stop codon.
Molecular consequence: nonsense.
Genome position (GRCh38, 1-based): chr11:103,245,371, C>T. VCF-style: chr11-103245371-C-T. GRCh37 (hg19) VCF-style: chr11-103116100-C-T.
Other names: c.10060C>T, p.Gln3354Ter (NM_001080463.2); short protein forms Q3354*, Q3347*.
Identifiers: ClinVar variation 3012959 (VCV003012959.3), dbSNP rs1043453967, ClinGen allele CA227412636.

ClinVar aggregate classification (germline): Pathogenic (1 of 4 stars; one submission).

Conditions:
Jeune thoracic dystrophy. Also called: Jeune syndrome; Infantile thoracic dystrophy; Thoracic pelvic phalangeal dystrophy; Jeune's syndrome; Chondroectodermal dysplasia-like syndrome; Short-rib thoracic dysplasia. Identifiers: Orphanet 474, MedGen C0265275, MONDO:0018770.

gnomAD v4.1: 1 of 1,581,894 alleles (0.000063%); no homozygotes.

Submission:

Labcorp Genetics (formerly Invitae), Labcorp
Classification: Pathogenic for Jeune thoracic dystrophy. Last evaluated: 2022-12-16. Review status: criteria provided, single submitter. Criteria: Invitae Variant Classification Sherloc (09022015). Collection method: clinical testing. Allele origin: germline.
Comment: For these reasons, this variant has been classified as Pathogenic. This sequence change creates a premature translational stop signal (p.Gln3354*) in the DYNC2H1 gene. It is expected to result in an absent or disrupted protein product. Loss-of-function variants in DYNC2H1 are known to be pathogenic (PMID: 23339108, 32753734). This variant is not present in population databases (gnomAD no frequency). This variant has not been reported in the literature in individuals affected with DYNC2H1-related conditions.

Literature cited by the submitters: PubMed 23339108; PubMed 32753734.